The following is an entry in ClinVar:

NM_019594.4(LRRC8A):c.1458C>T (p.Pro486=)

Gene: LRRC8A (leucine rich repeat containing 8 VRAC subunit A; plus strand). Cytogenetic location: 9q34.11.
Variant type: single nucleotide variant.
Coding change: c.1458C>T on transcript NM_019594.4 (MANE Select); coding-DNA position 1458, C replaced by T.
Protein change: p.Pro486=; no amino-acid change (proline 486 retained).
Molecular consequence: synonymous variant.
Genome position (GRCh38, 1-based): chr9:128,908,622, C>T. VCF-style: chr9-128908622-C-T. GRCh37 (hg19) VCF-style: chr9-131670901-C-T.
Other names: c.1458C>T, p.Pro486= (NM_001127244.2, NM_001127245.2).
Identifiers: ClinVar variation 776451 (VCV000776451.28), dbSNP rs11999276, ClinGen allele CA5270882.

ClinVar aggregate classification (germline): Benign/Likely benign. Review status: criteria provided, multiple submitters, no conflicts (2 of 4 stars). 6 submissions from 6 submitters: Benign (4); Likely benign (1). 1 of the submissions does not count toward it. Last evaluated 2026-02-01.

Conditions:
LRRC8A-related disorder. Also called: LRRC8A-related condition.
Agammaglobulinemia 5, autosomal dominant (AGM5). Also called: AGAMMAGLOBULINEMIA, AUTOSOMAL DOMINANT, DUE TO LRRC8A DEFECT. Identifiers: MedGen C3150753, MONDO:0013290, OMIM 613506.

Allele frequency attached by ClinVar (database versions not stated): 1000 Genomes Project 30x 0.01655; 1000 Genomes Project 0.01697; gnomAD 0.01718 and 0.01838; ESP Exome Variant Server 0.01901; TOPMed 0.01973.
gnomAD v4.1: 5,944 of 1,612,566 alleles (0.37%); highest among the groups gnomAD compares: African/African-American, 5.8%; 122 homozygotes.

Submissions (6):

Labcorp Genetics (formerly Invitae), Labcorp
Classification: Benign. Last evaluated: 2026-02-01. Review status: criteria provided, single submitter. Criteria: Invitae Variant Classification Sherloc (09022015). Collection method: clinical testing. Allele origin: germline.

ARUP Laboratories, Molecular Genetics and Genomics, ARUP Laboratories
Classification: Benign for Agammaglobulinemia 5, autosomal dominant. Last evaluated: 2023-10-14. Review status: criteria provided, single submitter. Criteria: ARUP Molecular Germline Variant Investigation Process 2024. Collection method: clinical testing. Allele origin: germline.

Fulgent Genetics
Classification: Likely benign for Agammaglobulinemia 5, autosomal dominant. Last evaluated: 2021-12-23. Review status: criteria provided, single submitter. Criteria: ACMG Guidelines, 2015. Collection method: clinical testing. Allele origin: unknown.

GeneDx
Classification: Benign. Last evaluated: 2018-11-12. Review status: criteria provided, single submitter. Criteria: GeneDx Variant Classification Process June 2021. Collection method: clinical testing. Allele origin: germline. Affected: yes.

Breakthrough Genomics
Classification: Benign. Review status: criteria provided, single submitter. Criteria: ACMG Guidelines, 2015. Collection method: not provided. Allele origin: germline. Inheritance: Autosomal dominant inheritance. Affected: yes.

PreventionGenetics, part of Exact Sciences
Classification: Benign for LRRC8A-related condition. Last evaluated: 2019-08-28. Review status: no assertion criteria provided. Collection method: clinical testing. Allele origin: germline. Not counted in ClinVar's aggregate classification.
Comment: This variant is classified as benign based on ACMG/AMP sequence variant interpretation guidelines (Richards et al. 2015 PMID: 25741868, with internal and published modifications).